The following is an entry in ClinVar:

NM_003108.4(SOX11):c.1148dup (p.Gly384fs)

Gene: SOX11 (SRY-box transcription factor 11; plus strand). Cytogenetic location: 2p25.2.
Variant type: Duplication.
Coding change: c.1148dup on transcript NM_003108.4 (MANE Select); coding-DNA position 1148, one base duplicated (G; older notation c.1148dupG).
Protein change: p.Gly384fs; shifts the reading frame from glycine 384.
Molecular consequence: frameshift variant.
Genome position (GRCh38, 1-based): chr2:5,693,869, G duplicated; the last of 6 consecutive G bases (chr2:5,693,864-5,693,869); duplicating any one gives the same sequence. VCF-style (leftmost placement, unchanged base first): chr2-5693863-T-TG. GRCh37 (hg19) VCF-style: chr2-5833995-T-TG.
Other names: short protein forms G384fs.
Identifiers: ClinVar variation 2663531 (VCV002663531.2), dbSNP rs1553328038, ClinGen allele CA658764691.

ClinVar aggregate classification (germline): Pathogenic (1 of 4 stars; one submission).

Submission:

GeneDx
Classification: Pathogenic. Last evaluated: 2025-07-08. Review status: criteria provided, single submitter. Criteria: GeneDx Variant Classification Process June 2021. Collection method: clinical testing. Allele origin: germline.
Comment: Frameshift variant predicted to result in protein truncation, as the last 58 amino acids are replaced with 13 different amino acids, and other loss-of-function variants have been reported downstream; Not observed at significant frequency in large population cohorts (gnomAD); This variant is associated with the following publications: (PMID: 33057194, 37010288, 35982159, 29437512)